The following is an entry in ClinVar:

ClinVar aggregate classification (germline): Uncertain significance. Review status: criteria provided, multiple submitters, no conflicts (2 of 4 stars). 2 submissions from 2 submitters: Uncertain significance (2). Last evaluated 2024-04-17.

Conditions:
Congenital myasthenic syndrome 8. Also called: MYASTHENIC SYNDROME, CONGENITAL, DUE TO AGRIN DEFICIENCY; Myasthenic syndrome, congenital, 8, with pre- and postsynaptic defects. Identifiers: Orphanet 590, MedGen C3808739, MONDO:0014052, OMIM 615120.

Submissions (2):

GeneDx
Classification: Uncertain significance. Last evaluated: 2024-04-17. Review status: criteria provided, single submitter. Criteria: GeneDx Variant Classification Process June 2021. Collection method: clinical testing. Allele origin: germline. Affected: yes.
Comment: Not observed at significant frequency in large population cohorts (gnomAD); In silico analysis indicates that this missense variant does not alter protein structure/function; Has not been previously published as pathogenic or benign to our knowledge

Labcorp Genetics (formerly Invitae), Labcorp
Classification: Uncertain significance for Congenital myasthenic syndrome 8. Last evaluated: 2023-12-30. Review status: criteria provided, single submitter. Criteria: Invitae Variant Classification Sherloc (09022015). Collection method: clinical testing. Allele origin: germline.
Comment: This sequence change replaces alanine, which is neutral and non-polar, with aspartic acid, which is acidic and polar, at codon 1415 of the AGRN protein (p.Ala1415Asp). This variant is not present in population databases (gnomAD no frequency). This variant has not been reported in the literature in individuals affected with AGRN-related conditions. An algorithm developed to predict the effect of missense changes on protein structure and function (PolyPhen-2) suggests that this variant is likely to be tolerated. In summary, the available evidence is currently insufficient to determine the role of this variant in disease. Therefore, it has been classified as a Variant of Uncertain Significance.

NM_198576.4(AGRN):c.4244C>A (p.Ala1415Asp)

Gene: AGRN (agrin; plus strand). Cytogenetic location: 1p36.33.
Variant type: single nucleotide variant.
Coding change: c.4244C>A on transcript NM_198576.4 (MANE Select); coding-DNA position 4244, C replaced by A.
Protein change: p.Ala1415Asp; replaces alanine 1415 with aspartic acid.
Molecular consequence: missense variant.
Genome position (GRCh38, 1-based): chr1:1,049,005, C>A. VCF-style: chr1-1049005-C-A. GRCh37 (hg19) VCF-style: chr1-984385-C-A.
Other names: c.4244C>A (NM_198576.3); c.4244C>A, p.Ala1415Asp (NM_001305275.2); c.3929C>A, p.Ala1310Asp (NM_001364727.2); short protein forms A1310D, A1415D.
Identifiers: ClinVar variation 2706475 (VCV002706475.4), dbSNP rs1227072124, ClinGen allele CA337776939.
Genomic context (GRCh38, chr1:1,049,005, plus strand): 5'-GCCTGGCACTGGAATTCCGGGCGCTGGAGCCTCAGGGGCTGCTGCTGTACAATGGCAACG[C>A]CCGGGGCAAGGACTTCCTGGCATTGGCGCTGCTAGATGGCCGCGTGCAGCTCAGGTGGGC-3'
Protein context (NP_940978.2, residues 1405-1425): PQGLLLYNGN[Ala1415Asp]RGKDFLALAL